The following is an entry in ClinVar:

ClinVar aggregate classification (germline): Likely benign (1 of 4 stars; one submission).

Allele frequency attached by ClinVar (database versions not stated): gnomAD 0.00005.

Submission:

CeGaT Center for Human Genetics Tuebingen
Classification: Likely benign. Last evaluated: 2024-12-01. Review status: criteria provided, single submitter. Criteria: CeGaT Center For Human Genetics Tuebingen Variant Classification Criteria Version 2. Collection method: clinical testing. Allele origin: germline. Affected: yes. Observed: 3 variant alleles.
Comment: ESX1: BP4, BP7

NM_153448.4(ESX1):c.864G>C (p.Gly288=)

Gene: ESX1 (ESX homeobox 1; minus strand). Cytogenetic location: Xq22.2.
Variant type: single nucleotide variant.
Coding change: c.864G>C on transcript NM_153448.4 (MANE Select); coding-DNA position 864, G replaced by C.
Protein change: p.Gly288=; no amino-acid change (glycine 288 retained).
Molecular consequence: synonymous variant.
Genome position (GRCh38, 1-based): chrX:104,250,585, C>G on the plus strand (G>C on the coding strand, the complement: ESX1 is on the minus strand). VCF-style: chrX-104250585-C-G. GRCh37 (hg19) VCF-style: chrX-103495266-C-G.
Identifiers: ClinVar variation 2661115 (VCV002661115.24), dbSNP rs1169131855, ClinGen allele CA10480018.